The following is an entry in ClinVar:

NM_000308.4(CTSA):c.1005del (p.Ala336fs)

Gene: CTSA (cathepsin A; plus strand). Cytogenetic location: 20q13.12.
Variant type: Deletion.
Coding change: c.1005del on transcript NM_000308.4 (MANE Select); coding-DNA position 1005, one base deleted (A; older notation c.1005delA).
Protein change: p.Ala336fs; shifts the reading frame from alanine 336.
Molecular consequence: frameshift variant. On other transcripts: non-coding transcript variant (1).
Genome position (GRCh38, 1-based): chr20:45,895,050, A deleted. VCF-style (leftmost placement, unchanged base first): chr20-45895049-CA-C. GRCh37 (hg19) VCF-style: chr20-44523688-CA-C.
Other names: c.1005del, p.Ala336fs (NM_001127695.3); c.954del, p.Ala319fs (NM_001167594.3); short protein forms A319fs, A336fs.
Identifiers: ClinVar variation 2071782 (VCV002071782.5), dbSNP rs2515441206, ClinGen allele CA2580098257.

ClinVar aggregate classification (germline): Pathogenic/Likely pathogenic. Review status: criteria provided, multiple submitters, no conflicts (2 of 4 stars). 2 submissions from 2 submitters: Pathogenic (1); Likely pathogenic (1). Last evaluated 2024-03-19.

Conditions:
Combined deficiency of sialidase AND beta galactosidase (GSL). Also called: CATHEPSIN A DEFICIENCY; Galactosialidosis; GOLDBERG SYNDROME; NEURAMINIDASE DEFICIENCY WITH BETA-GALACTOSIDASE DEFICIENCY; NEURAMINIDASE/BETA-GALACTOSIDASE EXPRESSION; PPCA DEFICIENCY. Identifiers: Orphanet 351, MedGen C0268233, MONDO:0009737, OMIM 256540.

Submissions (2):

Fulgent Genetics
Classification: Likely pathogenic for Combined deficiency of sialidase AND beta galactosidase. Last evaluated: 2024-03-19. Review status: criteria provided, single submitter. Criteria: ACMG Guidelines, 2015. Collection method: clinical testing. Allele origin: germline.

Labcorp Genetics (formerly Invitae), Labcorp
Classification: Pathogenic for Combined deficiency of sialidase AND beta galactosidase. Last evaluated: 2022-07-05. Review status: criteria provided, single submitter. Criteria: Invitae Variant Classification Sherloc (09022015). Collection method: clinical testing. Allele origin: germline.
Comment: This sequence change creates a premature translational stop signal (p.Ala354Leufs*31) in the CTSA gene. It is expected to result in an absent or disrupted protein product. Loss-of-function variants in CTSA are known to be pathogenic (PMID: 15110321, 23915561). This variant is not present in population databases (gnomAD no frequency). This variant has not been reported in the literature in individuals affected with CTSA-related conditions. For these reasons, this variant has been classified as Pathogenic.

Literature cited by the submitters: PubMed 15110321 (cited by Labcorp Genetics (formerly Invitae), Labcorp); PubMed 23915561 (cited by Labcorp Genetics (formerly Invitae), Labcorp).